The following is an entry in ClinVar:

NM_006904.7(PRKDC):c.644C>G (p.Pro215Arg)

Gene: PRKDC (protein kinase, DNA-activated, catalytic subunit; minus strand). Cytogenetic location: 8q11.21.
Variant type: single nucleotide variant.
Coding change: c.644C>G on transcript NM_006904.7 (MANE Select); coding-DNA position 644, C replaced by G.
Protein change: p.Pro215Arg; replaces proline 215 with arginine.
Molecular consequence: missense variant.
Genome position (GRCh38, 1-based): chr8:47,953,697, G>C on the plus strand (C>G on the coding strand, the complement: PRKDC is on the minus strand). VCF-style: chr8-47953697-G-C. GRCh37 (hg19) VCF-style: chr8-48866257-G-C.
Other names: c.644C>G, p.Pro215Arg (NM_001081640.2); short protein forms P215R.
Identifiers: ClinVar variation 2002430 (VCV002002430.4), dbSNP rs2551881748, ClinGen allele CA371138554.

ClinVar aggregate classification (germline): Uncertain significance (1 of 4 stars; one submission).

Conditions:
Severe combined immunodeficiency due to DNA-PKcs deficiency. Also called: Immunodeficiency 26 with or without neurologic abnormalities; IMMUNODEFICIENCY 26 WITH NEUROLOGIC ABNORMALITIES. Identifiers: Orphanet 317425, MedGen C4014833, MONDO:0014423, OMIM 615966.

Submission:

Labcorp Genetics (formerly Invitae), Labcorp
Classification: Uncertain significance for Severe combined immunodeficiency due to DNA-PKcs deficiency. Last evaluated: 2022-06-04. Review status: criteria provided, single submitter. Criteria: Invitae Variant Classification Sherloc (09022015). Collection method: clinical testing. Allele origin: germline.
Comment: This sequence change replaces proline, which is neutral and non-polar, with arginine, which is basic and polar, at codon 215 of the PRKDC protein (p.Pro215Arg). This variant is not present in population databases (gnomAD no frequency). This variant has not been reported in the literature in individuals affected with PRKDC-related conditions. Experimental studies and prediction algorithms are not available or were not evaluated, and the functional significance of this variant is currently unknown. In summary, the available evidence is currently insufficient to determine the role of this variant in disease. Therefore, it has been classified as a Variant of Uncertain Significance.